The following continues an entry in ClinVar:

NM_000051.4(ATM):c.1986T>C (p.Phe662=)

Gene: ATM. ClinVar aggregate classification (germline): Conflicting classifications of pathogenicity. Uncertain significance (1); Benign (7); Likely benign (13).

Submissions 20 to 29 of 29:

Ambry Genetics
Classification: Likely benign for Hereditary cancer-predisposing syndrome. Last evaluated: 2014-08-07. Review status: criteria provided, single submitter. Criteria: Ambry Variant Classification Scheme 2023. Collection method: clinical testing. Allele origin: germline.

GeneDx
Classification: Benign. Last evaluated: 2014-01-17. Review status: criteria provided, single submitter. Criteria: GeneDx Variant Classification (06012015). Collection method: clinical testing. Allele origin: germline. Affected: yes.
Comment: This variant is considered likely benign or benign based on one or more of the following criteria: it is a conservative change, it occurs at a poorly conserved position in the protein, it is predicted to be benign by multiple in silico algorithms, and/or has population frequency not consistent with disease.

Counsyl
Classification: Likely benign for Ataxia-telangiectasia syndrome. Last evaluated: 2018-03-29. Review status: no assertion criteria provided. Collection method: clinical testing. Allele origin: unknown. Not counted in ClinVar's aggregate classification.

True Health Diagnostics
Classification: Likely benign for Hereditary cancer-predisposing syndrome. Last evaluated: 2017-11-09. Review status: no assertion criteria provided. Collection method: clinical testing. Allele origin: germline. Not counted in ClinVar's aggregate classification.

Clinical Genetics DNA and cytogenetics Diagnostics Lab, Erasmus MC, Erasmus Medical Center
Classification: Likely benign. Review status: no assertion criteria provided. Collection method: clinical testing. Allele origin: germline. Affected: yes. Study: VKGL Data-share Consensus. Not counted in ClinVar's aggregate classification.

Clinical Genetics Laboratory, Department of Pathology, Netherlands Cancer Institute
Classification: Likely benign. Review status: no assertion criteria provided. Collection method: clinical testing. Allele origin: germline. Affected: yes. Study: VKGL Data-share Consensus. Not counted in ClinVar's aggregate classification.

Department of Pathology and Laboratory Medicine, Sinai Health System
Classification: Likely benign for Malignant tumor of breast. Review status: no assertion criteria provided. Collection method: clinical testing. Allele origin: unknown. Affected: yes. Study: The Canadian Open Genetics Repository (COGR). Not counted in ClinVar's aggregate classification.
Comment: The ATM p.Phe662= variant was identified in 2 of 348 proband chromosomes (frequency: 0.006) from Swedish and Canadian individuals or families with breast cancer (and a family history of tumours associated with AT) and non-Hodgkin lymphoma, and was not identified in 126 control chromosomes from healthy individuals (Vorechovsky_1996_ 8797579, Sipahimalani_2007_17640065). The variant was also found in 2 cell lines derived from non-lymphoid malignancies (Ejima_2000_ 10738255). The variant was identified in dbSNP (ID: rs1800055) â€šÃ„ÃºWith Likely benign alleleâ€šÃ„Ã¹, ClinVar (classified benign by GeneDx, and likely benign by Invitae, Ambry Genetics, Color Genomics Inc and ARUP), Clinvitae (3x), and was not identified in Cosmic, MutDB, LOVD 3.0, or ATM-LOVD. The variant was also identified in control databases in 133 of 277116 chromosomes at a frequency of 0.0005 increasing the likelihood this could be a low frequency benign variant (Genome Aggregation Database Feb 27, 2017). Observation by population include: African in 2 of 24036 chromosomes (freq: 0.00008), â€šÃ„ÃºOtherâ€šÃ„Ã¹ in 3 of 6460 chromosomes (freq: 0.0005), Latino in 10 of 34418 chromosomes (freq: 0.0003), European Non-Finnish in 105 of 126626 chromosomes (freq: 0.0008), Ashkenazi Jewish in 11 of 10148 chromosomes (freq: 0.001), and European Finnish in 2 of 25782 chromosomes (freq: 0.00008); it was not observed in the East Asian and South Asian populations. The p.Phe662= variant is not expected to have clinical significance because it does not result in a change of amino acid and is not located in a known consensus splice site. In addition, in silico or computational prediction software programs (SpliceSiteFinder, MaxEntScan, NNSPLICE, GeneSplicer, HumanSpliceFinder) do not predict a difference in splicing. In summary, based on the above information the clinical significance of this variant cannot be determined with certainty at this time although we would lean towards a more benign role for this variant. This variant is classified as likely benign.

Genome Diagnostics Laboratory, Amsterdam University Medical Center
Classification: Likely benign. Review status: no assertion criteria provided. Collection method: clinical testing. Allele origin: germline. Affected: yes. Study: VKGL Data-share Consensus. Not counted in ClinVar's aggregate classification.

Joint Genome Diagnostic Labs from Nijmegen and Maastricht, Radboudumc and MUMC+
Classification: Likely benign. Review status: no assertion criteria provided. Collection method: clinical testing. Allele origin: germline. Affected: yes. Study: VKGL Data-share Consensus. Not counted in ClinVar's aggregate classification.

Laboratory of Diagnostic Genome Analysis, Leiden University Medical Center (LUMC)
Classification: Benign. Review status: no assertion criteria provided. Collection method: clinical testing. Allele origin: germline. Affected: yes. Study: VKGL Data-share Consensus. Not counted in ClinVar's aggregate classification.

Literature cited by the submitters: PubMed 28779002 (cited by Quest Diagnostics Nichols Institute San Juan Capistrano and Women's Health and Genetics/Laboratory Corporation of America, LabCorp); PubMed 20305132 (cited by Quest Diagnostics Nichols Institute San Juan Capistrano and Women's Health and Genetics/Laboratory Corporation of America, LabCorp); PubMed 17640065 (cited by 3 submitters); PubMed 10425038 (cited by Quest Diagnostics Nichols Institute San Juan Capistrano and Women's Health and Genetics/Laboratory Corporation of America, LabCorp); PubMed 10738255 (cited by Quest Diagnostics Nichols Institute San Juan Capistrano and Athena Diagnostics); PubMed 8797579 (cited by Quest Diagnostics Nichols Institute San Juan Capistrano and Women's Health and Genetics/Laboratory Corporation of America, LabCorp); PubMed 21933854 (cited by 4 submitters); PubMed 16652348 (cited by Illumina Laboratory Services, Illumina).